The following is an entry in ClinVar:

NM_022124.6(CDH23):c.5675C>T (p.Ala1892Val)

Gene: CDH23 (cadherin related 23; plus strand). Cytogenetic location: 10q22.1.
Variant type: single nucleotide variant.
Coding change: c.5675C>T on transcript NM_022124.6 (MANE Select); coding-DNA position 5675, C replaced by T.
Protein change: p.Ala1892Val; replaces alanine 1892 with valine.
Molecular consequence: missense variant.
Genome position (GRCh38, 1-based): chr10:71,785,063, C>T. VCF-style: chr10-71785063-C-T. GRCh37 (hg19) VCF-style: chr10-73544820-C-T.
Other names: short protein forms A1892V.
Identifiers: ClinVar variation 2153521 (VCV002153521.2), dbSNP rs370004432, ClinGen allele CA5545831.

ClinVar aggregate classification (germline): Uncertain significance. Review status: criteria provided, multiple submitters, no conflicts (2 of 4 stars). 2 submissions from 2 submitters: Uncertain significance (2). Last evaluated 2024-05-20.

Allele frequency attached by ClinVar (database versions not stated): ExAC 0.00003; gnomAD 0.00005; TOPMed 0.00006; ESP Exome Variant Server 0.00008; 1000 Genomes Project 30x 0.00016; 1000 Genomes Project 0.00020.
gnomAD v4.1: 31 of 1,614,062 alleles (0.0019%); highest among the groups gnomAD compares: African/African-American, 0.0093%; no homozygotes.

Submissions (2):

Blueprint Genetics
Classification: Uncertain significance. Last evaluated: 2024-05-20. Review status: criteria provided, single submitter. Criteria: ACMG Guidelines, 2015. Collection method: clinical testing. Allele origin: germline.

Labcorp Genetics (formerly Invitae), Labcorp
Classification: Uncertain significance. Last evaluated: 2022-10-04. Review status: criteria provided, single submitter. Criteria: Invitae Variant Classification Sherloc (09022015). Collection method: clinical testing. Allele origin: germline.
Comment: This sequence change replaces alanine, which is neutral and non-polar, with valine, which is neutral and non-polar, at codon 1892 of the CDH23 protein (p.Ala1892Val). This variant is present in population databases (rs370004432, gnomAD 0.02%). This variant has not been reported in the literature in individuals affected with CDH23-related conditions. Advanced modeling of protein sequence and biophysical properties (such as structural, functional, and spatial information, amino acid conservation, physicochemical variation, residue mobility, and thermodynamic stability) performed at Invitae indicates that this missense variant is not expected to disrupt CDH23 protein function. In summary, the available evidence is currently insufficient to determine the role of this variant in disease. Therefore, it has been classified as a Variant of Uncertain Significance.